The following is an entry in ClinVar:

ClinVar aggregate classification (germline): Uncertain significance (1 of 4 stars; one submission).

Conditions:
Primary dilated cardiomyopathy (DCM). Also called: Dilated Cardiomyopathy. Identifiers: Orphanet 217604, MedGen C0007193, MeSH D002311, MONDO:0005021, HP:0001644. Inheritance: Various modes of inheritance.

Submission:

Clinical Genetics Laboratory, Skane University Hospital Lund
Classification: Uncertain significance for Primary dilated cardiomyopathy. Last evaluated: 2025-07-09. Review status: criteria provided, single submitter. Criteria: ACMG Guidelines, 2015. Collection method: clinical testing. Allele origin: germline. Affected: yes.
Comment: ACMG criteria used: PM2, PM5

NM_000257.4(MYH7):c.2156G>T (p.Arg719Leu)

Gene: MYH7 (myosin heavy chain 7; minus strand). Cytogenetic location: 14q11.2.
Variant type: single nucleotide variant.
Coding change: c.2156G>T on transcript NM_000257.4 (MANE Select); coding-DNA position 2156, G replaced by T.
Protein change: p.Arg719Leu; replaces arginine 719 with leucine.
Molecular consequence: missense variant.
Genome position (GRCh38, 1-based): chr14:23,425,970, C>A on the plus strand (G>T on the coding strand, the complement: MYH7 is on the minus strand). VCF-style: chr14-23425970-C-A. GRCh37 (hg19) VCF-style: chr14-23895179-C-A.
Other names: c.2156G>T, p.Arg719Leu (NM_001407004.1); short protein forms R719L.
Identifiers: ClinVar variation 4056084 (VCV004056084.1).